The following is an entry in ClinVar:

ClinVar aggregate classification (germline): Uncertain significance. Review status: criteria provided, multiple submitters, no conflicts (2 of 4 stars). 6 submissions from 6 submitters: Uncertain significance (6). Last evaluated 2025-08-30.

Conditions:
Cardiovascular phenotype. Identifiers: MedGen CN230736.
Familial isolated arrhythmogenic right ventricular dysplasia. Identifiers: Orphanet 217656, MedGen C4274968, MONDO:0016342.
Arrhythmogenic right ventricular dysplasia 11. Also called: ARRHYTHMOGENIC RIGHT VENTRICULAR DYSPLASIA, FAMILIAL, 11; Arrhythmogenic Right Ventricular Dysplasia/Cardiomyopathy11; Arrhythmogenic right ventricular dysplasia 11 with mild palmoplantar keratoderma and woolly hair. Identifiers: MedGen C1864850, MONDO:0012506, OMIM 610476.
Cardiomyopathy (CMYO). Also called: Cardiomyopathies. Identifiers: Orphanet 167848, MedGen C0878544, MONDO:0004994, HP:0001638. Inheritance: Various modes of inheritance.

Allele frequency attached by ClinVar (database versions not stated): gnomAD 0.00001.

Submissions (6):

Ambry Genetics
Classification: Uncertain significance for Cardiovascular phenotype. Last evaluated: 2025-08-30. Review status: criteria provided, single submitter. Criteria: Ambry Variant Classification Scheme 2023. Collection method: clinical testing. Allele origin: germline.
Comment: The p.D347Y variant (also known as c.1039G>T), located in coding exon 8 of the DSC2 gene, results from a G to T substitution at nucleotide position 1039. The aspartic acid at codon 347 is replaced by tyrosine, an amino acid with highly dissimilar properties. This amino acid position is conserved. In addition, this alteration is predicted to be deleterious by in silico analysis. Based on the available evidence, the clinical significance of this variant remains unclear.

Victorian Clinical Genetics Services, Murdoch Childrens Research Institute
Classification: Uncertain significance for Arrhythmogenic right ventricular dysplasia 11. Last evaluated: 2025-05-01. Review status: criteria provided, single submitter. Criteria: ACMG Guidelines, 2015. Collection method: clinical testing. Allele origin: germline. Affected: yes.
Comment: This variant is classified as VUS-3B. Evidence in support of pathogenic classification: Variant is present in gnomAD <0.01 (v4: 11 heterozygote(s), 0 homozygote(s)); Missense variant predicted to be damaging by in silico tool(s) or highly conserved with a major amino acid change. Additional information: Variant is predicted to result in a missense amino acid change from aspartic acid to tyrosine; This variant is heterozygous; This gene is associated with both recessive and dominant disease (OMIM); Alternative amino acid change(s) at the same position are present in gnomAD (Highest allele count: v4: 3 heterozygote(s), 0 homozygote(s)); Previous evidence of pathogenicity for this variant is inconclusive. This variant has been classified as a VUS by clinical laboratories in ClinVar; No published segregation evidence has been identified for this variant; No published functional evidence has been identified for this variant; Another missense variant(s) comparable to the one identified in this case has inconclusive previous evidence for pathogenicity. p.(Asp347Gly) has been classified as a VUS by clinical laboratories in ClinVar; Variant is located in the annotated cadherin tandem repeat domain (NCBI); Loss of function is a known mechanism of disease in this gene and is associated with arrhythmogenic right ventricular dysplasia 11 with or without mild palmoplantar keratoderma and woolly hair (MIM#610476); Inheritance information for this variant is not currently available in this individual.

Color Diagnostics, LLC DBA Color Health
Classification: Uncertain significance for Cardiomyopathy. Last evaluated: 2024-03-06. Review status: criteria provided, single submitter. Criteria: ACMG Guidelines, 2015. Collection method: clinical testing. Allele origin: germline.
Comment: This missense variant replaces aspartic acid with tyrosine at codon 347 of the DSC2 protein. Computational prediction tool is inconclusive regarding the impact of this variant on protein structure and function (internally defined REVEL score threshold 0.5 < inconclusive < 0.7, PMID: 27666373). Splice site prediction tools suggest that this variant may not impact RNA splicing. To our knowledge, functional studies have not been performed for this variant. This variant has not been reported in individuals affected with cardiovascular disorders in the literature. This variant has not been identified in the general population by the Genome Aggregation Database (gnomAD). The available evidence is insufficient to determine the role of this variant in disease conclusively. Therefore, this variant is classified as a Variant of Uncertain Significance.

All of Us Research Program, National Institutes of Health
Classification: Uncertain significance for Familial isolated arrhythmogenic right ventricular dysplasia. Last evaluated: 2023-11-20. Review status: criteria provided, single submitter. Criteria: ACMG Guidelines, 2015. Collection method: clinical testing. Allele origin: germline. Inheritance: Autosomal dominant inheritance. Observed: 2 variant alleles, 2 heterozygotes.
Comment: This missense variant replaces aspartic acid with tyrosine at codon 347 of the DSC2 protein. Computational prediction tool is inconclusive regarding the impact of this variant on protein structure and function (internally defined REVEL score threshold 0.5 < inconclusive < 0.7, PMID: 27666373). Splice site prediction tools suggest that this variant may not impact RNA splicing. To our knowledge, functional studies have not been performed for this variant. This variant has not been reported in individuals affected with cardiovascular disorders in the literature. This variant has not been identified in the general population by the Genome Aggregation Database (gnomAD). The available evidence is insufficient to determine the role of this variant in disease conclusively. Therefore, this variant is classified as a Variant of Uncertain Significance.

This study involves interpretation of variants in research participants for the purpose of population health screening. Participant phenotype was not available at the time of variant classification. Additional details can be found in publication PMID: 35346344, PMCID: PMC8962531

Labcorp Genetics (formerly Invitae), Labcorp
Classification: Uncertain significance for Arrhythmogenic right ventricular dysplasia 11. Last evaluated: 2020-02-12. Review status: criteria provided, single submitter. Criteria: Invitae Variant Classification Sherloc (09022015). Collection method: clinical testing. Allele origin: germline.
Comment: In summary, the available evidence is currently insufficient to determine the role of this variant in disease. Therefore, it has been classified as a Variant of Uncertain Significance. Algorithms developed to predict the effect of missense changes on protein structure and function (SIFT, PolyPhen-2, Align-GVGD) all suggest that this variant is likely to be disruptive, but these predictions have not been confirmed by published functional studies and their clinical significance is uncertain. This variant has not been reported in the literature in individuals with DSC2-related conditions. This variant is not present in population databases (ExAC no frequency). This sequence change replaces aspartic acid with tyrosine at codon 347 of the DSC2 protein (p.Asp347Tyr). The aspartic acid residue is highly conserved and there is a large physicochemical difference between aspartic acid and tyrosine.

GeneDx
Classification: Uncertain significance. Last evaluated: 2020-01-29. Review status: criteria provided, single submitter. Criteria: GeneDx Variant Classification Process June 2021. Collection method: clinical testing. Allele origin: germline. Affected: yes.
Comment: Has not been previously published as pathogenic or benign to our knowledge; Not observed in large population cohorts (Lek et al., 2016); In silico analysis, which includes protein predictors and evolutionary conservation, supports a deleterious effect

NM_024422.6(DSC2):c.1039G>T (p.Asp347Tyr)

Gene: DSC2 (desmocollin 2; minus strand). Cytogenetic location: 18q12.1.
Variant type: single nucleotide variant.
Coding change: c.1039G>T on transcript NM_024422.6 (MANE Select); coding-DNA position 1039, G replaced by T.
Protein change: p.Asp347Tyr; replaces aspartic acid 347 with tyrosine.
Molecular consequence: missense variant.
Genome position (GRCh38, 1-based): chr18:31,082,964, C>A on the plus strand (G>T on the coding strand, the complement: DSC2 is on the minus strand). VCF-style: chr18-31082964-C-A. GRCh37 (hg19) VCF-style: chr18-28662930-C-A.
Other names: c.1039G>T, p.Asp347Tyr (NM_004949.5); short protein forms D347Y.
Identifiers: ClinVar variation 926321 (VCV000926321.18), dbSNP rs1214725211, ClinGen allele CA402110482.